The following is an entry in ClinVar:

ClinVar aggregate classification (germline): Pathogenic. Review status: criteria provided, multiple submitters, no conflicts (2 of 4 stars). 3 submissions from 3 submitters: Pathogenic (3). Last evaluated 2025-06-01.

Conditions:
Neurofibromatosis, type 1 (NF1). Also called: VON RECKLINGHAUSEN DISEASE; Neurofibromatosis, type I; NEUROFIBROMATOSIS, TYPE I, SOMATIC; Peripheral type neurofibromatosis. Identifiers: Orphanet 636, MedGen C0027831, MONDO:0018975, OMIM 162200. Disease mechanism: loss of function.

gnomAD v4.1: 1 of 1,613,526 alleles (0.000062%); no homozygotes.

Submissions (3):

Dasa
Classification: Pathogenic. Last evaluated: 2025-06-01. Review status: criteria provided, single submitter. Criteria: DASA Assertion Criteria. Collection method: clinical testing. Allele origin: germline.
Comment: NM_001042492.3(NF1):c.7400C>G (p.Ser2467*) introduces a premature termination codon predicted to result in loss of normal protein function. Loss-of-function is an established mechanism of disease for this gene. This variant has been reported in individuals with related phenotype. This variant has been reported in individuals with related phenotype. The variant is present at low frequency in population datasets. Based on the available data, this variant is classified as pathogenic.

GeneDx
Classification: Pathogenic. Last evaluated: 2025-05-27. Review status: criteria provided, single submitter. Criteria: GeneDx Variant Classification Process June 2021. Collection method: clinical testing. Allele origin: germline. Affected: yes.
Comment: Nonsense variant predicted to result in protein truncation or nonsense mediated decay in a gene for which loss of function is a known mechanism of disease; Not observed at significant frequency in large population cohorts (gnomAD); This variant is associated with the following publications: (PMID: 25525159, 17426081, 26969325)

Labcorp Genetics (formerly Invitae), Labcorp
Classification: Pathogenic for Neurofibromatosis, type 1. Last evaluated: 2022-10-04. Review status: criteria provided, single submitter. Criteria: Invitae Variant Classification Sherloc (09022015). Collection method: clinical testing. Allele origin: germline.
Comment: This sequence change creates a premature translational stop signal (p.Ser2446*) in the NF1 gene. It is expected to result in an absent or disrupted protein product. Loss-of-function variants in NF1 are known to be pathogenic (PMID: 10712197, 23913538). This variant is not present in population databases (gnomAD no frequency). This premature translational stop signal has been observed in individual(s) with neurofibromatosis type 1 (PMID: 17426081, 26969325). For these reasons, this variant has been classified as Pathogenic.

Literature cited by the submitters: PubMed 10712197 (cited by Labcorp Genetics (formerly Invitae), Labcorp); PubMed 23913538 (cited by Labcorp Genetics (formerly Invitae), Labcorp); PubMed 17426081 (cited by Labcorp Genetics (formerly Invitae), Labcorp); PubMed 26969325 (cited by Labcorp Genetics (formerly Invitae), Labcorp).

NM_001042492.3(NF1):c.7400C>G (p.Ser2467Ter)

Gene: NF1 (neurofibromin 1; plus strand). Cytogenetic location: 17q11.2.
Variant type: single nucleotide variant.
Coding change: c.7400C>G on transcript NM_001042492.3 (MANE Select); coding-DNA position 7400, C replaced by G.
Protein change: p.Ser2467Ter; replaces serine 2467 with a stop codon.
Molecular consequence: nonsense.
Genome position (GRCh38, 1-based): chr17:31,350,261, C>G. VCF-style: chr17-31350261-C-G. GRCh37 (hg19) VCF-style: chr17-29677279-C-G.
Other names: c.7337C>G, p.Ser2446Ter (NM_000267.4); short protein forms S2446*, S2467*.
Identifiers: ClinVar variation 2138002 (VCV002138002.6), dbSNP rs1555536135, ClinGen allele CA399017106.